The following is an entry in ClinVar:

ClinVar aggregate classification (germline): Uncertain significance. Review status: criteria provided, multiple submitters, no conflicts (2 of 4 stars). 2 submissions from 2 submitters: Uncertain significance (2). Last evaluated 2025-03-01.

Conditions:
Inborn genetic diseases. Identifiers: MedGen C0950123, MeSH D030342.

Allele frequency attached by ClinVar (database versions not stated): gnomAD exomes below 0.00001; ExAC 0.00001.
gnomAD v4.1: 4 of 1,613,758 alleles (0.00025%); highest among the groups gnomAD compares: Admixed American, 0.0033%; no homozygotes.

Submissions (2):

Ambry Genetics
Classification: Uncertain significance for Inborn genetic diseases. Last evaluated: 2025-03-01. Review status: criteria provided, single submitter. Criteria: Ambry Variant Classification Scheme 2023. Collection method: clinical testing. Allele origin: germline.

Labcorp Genetics (formerly Invitae), Labcorp
Classification: Uncertain significance. Last evaluated: 2022-06-13. Review status: criteria provided, single submitter. Criteria: Invitae Variant Classification Sherloc (09022015). Collection method: clinical testing. Allele origin: germline.
Comment: This sequence change replaces proline, which is neutral and non-polar, with serine, which is neutral and polar, at codon 149 of the FOXRED1 protein (p.Pro149Ser). This variant is present in population databases (rs759917961, gnomAD 0.003%). This variant has not been reported in the literature in individuals affected with FOXRED1-related conditions. Algorithms developed to predict the effect of missense changes on protein structure and function (SIFT, PolyPhen-2, Align-GVGD) all suggest that this variant is likely to be tolerated. In summary, the available evidence is currently insufficient to determine the role of this variant in disease. Therefore, it has been classified as a Variant of Uncertain Significance.

NM_017547.4(FOXRED1):c.445C>T (p.Pro149Ser)

Gene: FOXRED1 (FAD dependent oxidoreductase domain containing 1; plus strand). Cytogenetic location: 11q24.2.
Variant type: single nucleotide variant.
Coding change: c.445C>T on transcript NM_017547.4 (MANE Select); coding-DNA position 445, C replaced by T.
Protein change: p.Pro149Ser; replaces proline 149 with serine.
Molecular consequence: missense variant. On other transcripts: non-coding transcript variant (2).
Genome position (GRCh38, 1-based): chr11:126,273,363, C>T. VCF-style: chr11-126273363-C-T. GRCh37 (hg19) VCF-style: chr11-126143258-C-T.
Other names: c.445C>T (NM_017547.3); short protein forms P149S.
Identifiers: ClinVar variation 2060244 (VCV002060244.2), dbSNP rs759917961, ClinGen allele CA6354090.